The following is an entry in ClinVar:

ClinVar aggregate classification (germline): Likely benign. Review status: criteria provided, multiple submitters, no conflicts (2 of 4 stars). 4 submissions from 4 submitters: Likely benign (3). 1 of the submissions does not count toward it. Last evaluated 2025-11-21.

Conditions:
RMND1-related disorder. Also called: RMND1-related condition.
Combined oxidative phosphorylation defect type 11. Also called: Combined oxidative phosphorylation deficiency 11; ENCEPHALONEUROMYOPATHY, INFANTILE, DUE TO MITOCHONDRIAL TRANSLATION DEFECT. Identifiers: Orphanet 324535, MedGen C5190991, MONDO:0013969, OMIM 614922.

Allele frequency attached by ClinVar (database versions not stated): gnomAD 0.00001; TOPMed 0.00009; ExAC 0.00011; gnomAD exomes 0.00014; 1000 Genomes Project 30x 0.00016; 1000 Genomes Project 0.00020.
gnomAD v4.1: 39 of 1,614,140 alleles (0.0024%); highest among the groups gnomAD compares: Admixed American, 0.065%; no homozygotes.

Submissions (4):

Labcorp Genetics (formerly Invitae), Labcorp
Classification: Likely benign. Last evaluated: 2025-11-21. Review status: criteria provided, single submitter. Criteria: Invitae Variant Classification Sherloc (09022015). Collection method: clinical testing. Allele origin: germline.

Fulgent Genetics
Classification: Likely benign for Combined oxidative phosphorylation defect type 11. Last evaluated: 2022-03-30. Review status: criteria provided, single submitter. Criteria: ACMG Guidelines, 2015. Collection method: clinical testing. Allele origin: unknown.

GeneDx
Classification: Likely benign. Last evaluated: 2020-02-11. Review status: criteria provided, single submitter. Criteria: GeneDx Variant Classification Process June 2021. Collection method: clinical testing. Allele origin: germline. Affected: yes.

PreventionGenetics, part of Exact Sciences
Classification: Likely benign for RMND1-related condition. Last evaluated: 2019-09-26. Review status: no assertion criteria provided. Collection method: clinical testing. Allele origin: germline. Not counted in ClinVar's aggregate classification.
Comment: This variant is classified as likely benign based on ACMG/AMP sequence variant interpretation guidelines (Richards et al. 2015 PMID: 25741868, with internal and published modifications).

NM_017909.4(RMND1):c.201C>A (p.Ile67=)

Gene: RMND1 (required for meiotic nuclear division 1 homolog; minus strand). Cytogenetic location: 6q25.1.
Variant type: single nucleotide variant.
Coding change: c.201C>A on transcript NM_017909.4 (MANE Select); coding-DNA position 201, C replaced by A.
Protein change: p.Ile67=; no amino-acid change (isoleucine 67 retained).
Molecular consequence: synonymous variant. On other transcripts: intron variant (1).
Genome position (GRCh38, 1-based): chr6:151,445,611, G>T on the plus strand (C>A on the coding strand, the complement: RMND1 is on the minus strand). VCF-style: chr6-151445611-G-T. GRCh37 (hg19) VCF-style: chr6-151766746-G-T.
Other names: c.-7+6405C>A (NM_001271937.2).
Identifiers: ClinVar variation 742871 (VCV000742871.14), dbSNP rs182333944, ClinGen allele CA4051080.